The following is an entry in ClinVar:

ClinVar aggregate classification (germline): Uncertain significance (1 of 4 stars; one submission).

Conditions:
Neurodevelopmental disorder with central hypotonia and dysmorphic facies (NEDCHF). Identifiers: MedGen C5676944, MONDO:0859232, OMIM 619797.

Submission:

Juno Genomics, Hangzhou Juno Genomics, Inc
Classification: Uncertain significance for Neurodevelopmental disorder with central hypotonia and dysmorphic facies. Review status: criteria provided, single submitter. Criteria: ACMG Guidelines, 2015. Collection method: clinical testing. Allele origin: germline. Affected: yes.
Comment: Absent from controls (or at extremely low frequency if recessive) in Genome Aggregation Database.;De novo (both maternity and paternity confirmed) in a patient with the disease and no family history.;Null variant in a gene where loss of function (LOF) is a known mechanism of disease.

NM_001378414.1(HDAC4):c.3188_3197dup (p.Leu1067fs)

Gene: HDAC4 (histone deacetylase 4; minus strand). Cytogenetic location: 2q37.3.
Variant type: Duplication.
Coding change: c.3188_3197dup on transcript NM_001378414.1 (MANE Select); coding-DNA positions 3188 to 3197, 10 bases duplicated (CCATGGCCTC; older notation c.3188_3197dupCCATGGCCTC).
Protein change: p.Leu1067fs; shifts the reading frame from leucine 1067.
Molecular consequence: frameshift variant.
Genome position (GRCh38, 1-based): chr2:239,053,493-239,053,502, GAGGCCATGG duplicated on the plus strand (CCATGGCCTC on the coding strand, the reverse complement: HDAC4 is on the minus strand). VCF-style (leftmost placement, unchanged base first): chr2-239053492-C-CGAGGCCATGG. GRCh37 (hg19) VCF-style: chr2-239975188-C-CGAGGCCATGG.
Other names: c.3107_3116dup, p.Leu1040fs (NM_001435991.1, NM_001435992.1); c.3029_3038dup, p.Leu1014fs (NM_001435993.1); c.3173_3182dup, p.Leu1062fs (NM_006037.4, NM_001378416.1, NM_001378417.1); c.3188_3197dup, p.Leu1067fs (NM_001378415.1); short protein forms L1014fs, L1040fs, L1062fs, L1067fs.
Identifiers: ClinVar variation 5019944 (VCV005019944.1).